The following is an entry in ClinVar:

NM_007348.4(ATF6):c.1175A>G (p.Tyr392Cys)

Gene: ATF6 (activating transcription factor 6; plus strand). Cytogenetic location: 1q23.3.
Variant type: single nucleotide variant.
Coding change: c.1175A>G on transcript NM_007348.4 (MANE Select); coding-DNA position 1175, A replaced by G.
Protein change: p.Tyr392Cys; replaces tyrosine 392 with cysteine.
Molecular consequence: missense variant.
Genome position (GRCh38, 1-based): chr1:161,821,149, A>G. VCF-style: chr1-161821149-A-G. GRCh37 (hg19) VCF-style: chr1-161790939-A-G.
Other names: short protein forms Y392C.
Identifiers: ClinVar variation 933417 (VCV000933417.5), dbSNP rs747542424, ClinGen allele CA1214387.
Genomic context (GRCh38, chr1:161,821,149, plus strand): 5'-CTAGTCCAAAGCGAAGAGTTGTCTGTGTGATGATAGTATTGGCATTTATAATACTGAACT[A>G]TGGACCTATGAGGTAAGTGAATAGATATTTATTTTGGACACTAATGCTAAAAACTTAAAT-3'
Protein context (NP_031374.2, residues 382-402): MIVLAFIILN[Tyr392Cys]GPMSMLEQDS

ClinVar aggregate classification (germline): Uncertain significance. Review status: criteria provided, multiple submitters, no conflicts (2 of 4 stars). 2 submissions from 2 submitters: Uncertain significance (2). Last evaluated 2023-04-13.

Allele frequency attached by ClinVar (database versions not stated): gnomAD 0.00002; TOPMed 0.00002; gnomAD exomes 0.00003 and 0.00006; ExAC 0.00005.
gnomAD v4.1: 52 of 1,606,822 alleles (0.0032%); highest among the groups gnomAD compares: Middle Eastern, 0.033%; 1 homozygote.

Submissions (2):

Blueprint Genetics
Classification: Uncertain significance. Last evaluated: 2023-04-13. Review status: criteria provided, single submitter. Criteria: ACMG Guidelines, 2015. Collection method: clinical testing. Allele origin: germline.

Labcorp Genetics (formerly Invitae), Labcorp
Classification: Uncertain significance. Last evaluated: 2022-08-16. Review status: criteria provided, single submitter. Criteria: Invitae Variant Classification Sherloc (09022015). Collection method: clinical testing. Allele origin: germline.
Comment: This sequence change replaces tyrosine, which is neutral and polar, with cysteine, which is neutral and slightly polar, at codon 392 of the ATF6 protein (p.Tyr392Cys). This variant is present in population databases (rs747542424, gnomAD 0.1%). This variant has not been reported in the literature in individuals affected with ATF6-related conditions. ClinVar contains an entry for this variant (Variation ID: 933417). Algorithms developed to predict the effect of missense changes on protein structure and function output the following: SIFT: "Tolerated"; PolyPhen-2: "Benign"; Align-GVGD: "Class C25". The cysteine amino acid residue is found in multiple mammalian species, which suggests that this missense change does not adversely affect protein function. In summary, the available evidence is currently insufficient to determine the role of this variant in disease. Therefore, it has been classified as a Variant of Uncertain Significance.